The following is an entry in ClinVar:

NM_032790.3(ORAI1):c.144_150del

Genes: ORAI1 (ORAI calcium release-activated calcium modulator 1; plus strand), LOC130008987 (ATAC-STARR-seq lymphoblastoid silent region 4981; plus strand). Cytogenetic location: 12q24.31.
Variant type: Microsatellite.
Coding change: c.144_150del on transcript NM_032790.3; coding-DNA positions 144 to 150, 7 bases deleted (CGCCGTC; older notation c.144_150delCGCCGTC).
Molecular consequence: non-coding transcript variant (on NR_186857.1).
Genome position (GRCh38, 1-based): chr12:121,626,891-121,626,897, CGCCGTC deleted; deleting any 7 consecutive bases within chr12:121,626,883-121,626,897 gives the same sequence; the c. name uses the placement nearest the transcript's 3' end. VCF-style (leftmost placement, unchanged base first): chr12-121626882-GCCGCCGT-G. GRCh37 (hg19) VCF-style: chr12-122064788-GCCGCCGT-G.
Identifiers: ClinVar variation 5016765 (VCV005016765.1).

ClinVar aggregate classification (germline): Likely pathogenic (1 of 4 stars; one submission).

Submission:

GeneDx
Classification: Likely pathogenic. Last evaluated: 2026-04-08. Review status: criteria provided, single submitter. Criteria: GeneDx Variant Classification Process June 2021. Collection method: clinical testing. Allele origin: germline.
Comment: Frameshift variant predicted to result in protein truncation or nonsense mediated decay in a gene for which loss of function is a known mechanism of disease; Not observed at significant frequency in large population cohorts (gnomAD); Has not been previously published as pathogenic or benign to our knowledge